The following is an entry in ClinVar:

NM_000104.4(CYP1B1):c.835C>G (p.His279Asp)

Gene: CYP1B1 (cytochrome P450 family 1 subfamily B member 1; minus strand). Cytogenetic location: 2p22.2.
Variant type: single nucleotide variant.
Coding change: c.835C>G on transcript NM_000104.4 (MANE Select); coding-DNA position 835, C replaced by G.
Protein change: p.His279Asp; replaces histidine 279 with aspartic acid.
Molecular consequence: missense variant.
Genome position (GRCh38, 1-based): chr2:38,074,554, G>C on the plus strand (C>G on the coding strand, the complement: CYP1B1 is on the minus strand). VCF-style: chr2-38074554-G-C. GRCh37 (hg19) VCF-style: chr2-38301697-G-C.
Other names: NM_000104.4:c.835C>G; short protein forms H279D.
Identifiers: ClinVar variation 5037939 (VCV005037939.1).

ClinVar aggregate classification (germline): Uncertain significance (3 of 4 stars; one submission).

Conditions:
CYP1B1-related glaucoma with or without anterior segment dysgenesis. Identifiers: MedGen CN375931, MONDO:0800472.

gnomAD v4.1: 1 of 1,609,496 alleles (0.000062%); highest among the groups gnomAD compares: South Asian, 0.0011%; no homozygotes.

Submission:

ClinGen Glaucoma Variant Curation Expert Panel
Classification: Uncertain significance for CYP1B1-related glaucoma with or without anterior segment dysgenesis. Last evaluated: 2026-10-27. Review status: reviewed by expert panel. Criteria: ClinGen Glaucoma ACMG Specifications CYP1B1 V2.0. Collection method: curation. Allele origin: germline. Inheritance: Autosomal recessive inheritance.
Comment: The c.835C>G variant in CYP1B1 is a missense variant predicted to cause substitution of Histidine by Aspartic Acid at amino acid 279 (p.His279Asp). This missense variant is located in the G-helix, meeting PM1_Supporting. The highest minor allele frequency of this variant was in the South Asian genetic ancestry group of gnomAD (v4.1) = 0.00001107 (1 allele out of 90,300), which met the ≤ 0.0005 threshold set for PM2_Supporting in a genetic ancestry group of at least 2,000 alleles. The REVEL score = 0.882, which was within the 0.773-0.931 range for PP3_Moderate, predicting a damaging effect on CYP1B1 function. PS3_Supporting was not applied as the assays reported in PMID: 39721180 did not meet the OddsPath threshold (> 2.1). This variant has not been identified as homozygous or compound heterozygous with another variant in CYP1B1, therefore PM3 was not applied. In summary, this variant met the criteria to receive a score of 4 and to be classified as a variant of uncertain significance (uncertain significance classification range -1 to 5, adapted from PMID: 32720330) for CYP1B1-related glaucoma with or without anterior segment dysgenesis (ASD) based on the ACMG/AMP criteria met, as specified by the ClinGen Glaucoma VCEP (v2.0, 16.07.2026): PP3_Moderate, PM1_Supporting, PM2_Supporting